The following is an entry in ClinVar:

ClinVar aggregate classification (germline): Pathogenic (1 of 4 stars; one submission).

Submission:

Labcorp Genetics (formerly Invitae), Labcorp
Classification: Pathogenic. Last evaluated: 2021-12-21. Review status: criteria provided, single submitter. Criteria: Invitae Variant Classification Sherloc (09022015). Collection method: clinical testing. Allele origin: germline.
Comment: This variant has not been reported in the literature in individuals affected with LPIN1-related conditions. A gross deletion of the genomic region encompassing the full coding sequence of the LPIN1 gene has been identified. Loss-of-function variants in LPIN1 are known to be pathogenic (PMID: 18817903, 20583302, 22481384, 26111941). The boundaries of this event are unknown as they extend beyond the assayed region for this gene and therefore may encompass additional genes. For these reasons, this variant has been classified as Pathogenic.

Literature cited by the submitters: PubMed 18817903; PubMed 20583302; PubMed 22481384; PubMed 26111941.

NC_000002.11:g.(?_11905668)_(11964917_?)del

Gene: LPIN1 (lipin 1; plus strand). Cytogenetic location: 2p25.1.
Variant type: Deletion.
Identifiers: ClinVar variation 2427337 (VCV002427337.4).